The following continues an entry in ClinVar:

NM_007294.4(BRCA1):c.301+7G>A

Gene: BRCA1. ClinVar aggregate classification (germline): Benign. Benign (1).

Submissions 12 to 19 of 19:

Color Diagnostics, LLC DBA Color Health
Classification: Likely benign for Hereditary cancer-predisposing syndrome. Last evaluated: 2015-07-20. Review status: criteria provided, single submitter. Criteria: ACMG Guidelines, 2015. Collection method: clinical testing. Allele origin: germline. Not counted in ClinVar's aggregate classification.

Ambry Genetics
Classification: Benign for Hereditary cancer-predisposing syndrome. Last evaluated: 2014-11-18. Review status: criteria provided, single submitter. Criteria: Ambry Variant Classification Scheme 2023. Collection method: clinical testing. Allele origin: germline. Not counted in ClinVar's aggregate classification.

GeneDx
Classification: Benign. Last evaluated: 2014-06-24. Review status: criteria provided, single submitter. Criteria: GeneDx Variant Classification (06012015). Collection method: clinical testing. Allele origin: germline. Affected: yes. Not counted in ClinVar's aggregate classification.
Comment: This variant is considered likely benign or benign based on one or more of the following criteria: it is a conservative change, it occurs at a poorly conserved position in the protein, it is predicted to be benign by multiple in silico algorithms, and/or has population frequency not consistent with disease.

BRCAlab, Lund University
Classification: Benign for Breast-ovarian cancer, familial, susceptibility to, 1. Last evaluated: 2020-03-02. Review status: no assertion criteria provided. Collection method: clinical testing. Allele origin: germline. Affected: yes. Not counted in ClinVar's aggregate classification.

Counsyl
Classification: Benign for Breast-ovarian cancer, familial, susceptibility to, 1. Last evaluated: 2015-12-28. Review status: no assertion criteria provided. Collection method: clinical testing. Allele origin: unknown. Not counted in ClinVar's aggregate classification.

Sharing Clinical Reports Project (SCRP)
Classification: Benign for Breast-ovarian cancer, familial 1. Last evaluated: 2011-03-14. Review status: no assertion criteria provided. Collection method: clinical testing. Allele origin: germline. Not counted in ClinVar's aggregate classification.

Breast Cancer Information Core (BIC) (BRCA1)
Classification: Uncertain significance for Breast-ovarian cancer, familial 1. Last evaluated: 2002-05-29. Review status: no assertion criteria provided. Collection method: clinical testing. Allele origin: germline. Affected: yes. Observed: 12 variant alleles. Not counted in ClinVar's aggregate classification.

Brotman Baty Institute, University of Washington
No classification provided (evidence only). Condition: Breast-ovarian cancer, familial 1. Review status: no classification provided. Collection method: in vitro. Allele origin: not applicable. Functional consequence: functionally_normal. Not counted in ClinVar's aggregate classification.
ClinVar note: "not provided" was previously submitted as the classification for the variant. However, the classification appeared to be based only on an observation of functional data so it was converted to no classification on 2025-07-30.

Literature cited by the submitters: PubMed 25366421 (cited by 4 submitters); PubMed 25085752 (cited by Quest Diagnostics Nichols Institute San Juan Capistrano and Women's Health and Genetics/Laboratory Corporation of America, LabCorp); PubMed 31131967 (cited by Quest Diagnostics Nichols Institute San Juan Capistrano and Victorian Clinical Genetics Services, Murdoch Childrens Research Institute); PubMed 30209399 (cited by Quest Diagnostics Nichols Institute San Juan Capistrano and Department of Pathology and Laboratory Medicine, Sinai Health System); PubMed 24667779 (cited by 4 submitters); PubMed 17924331 (cited by 3 submitters); PubMed 22505045 (cited by 5 submitters); PubMed 30551077 (cited by Victorian Clinical Genetics Services, Murdoch Childrens Research Institute); PubMed 17453335 (cited by Department of Pathology and Laboratory Medicine, Sinai Health System and Women's Health and Genetics/Laboratory Corporation of America, LabCorp); PubMed 22366370 (cited by 3 submitters); PubMed 16267036 (cited by Women's Health and Genetics/Laboratory Corporation of America, LabCorp); PubMed 21990134 (cited by Women's Health and Genetics/Laboratory Corporation of America, LabCorp and Counsyl); PubMed 23942203 (cited by Women's Health and Genetics/Laboratory Corporation of America, LabCorp); PubMed 18844490 (cited by Women's Health and Genetics/Laboratory Corporation of America, LabCorp); PubMed 25948282 (cited by Women's Health and Genetics/Laboratory Corporation of America, LabCorp); PubMed 29750258 (cited by Women's Health and Genetics/Laboratory Corporation of America, LabCorp).